The following is an entry in ClinVar:

GRCh37/hg19 21q22.2-22.3(chr21:42335622-48097372)x1

Genes: KRTAP10-11 (keratin associated protein 10-11; plus strand), KRTAP10-12 (keratin associated protein 10-12; plus strand), PLAC4 (placenta enriched 4; minus strand), POFUT2 (protein O-fucosyltransferase 2; minus strand), KRTAP10-6 (keratin associated protein 10-6; minus strand) and 80 more. Cytogenetic location: 21q22.2-22.3.
Variant type: copy number loss.
Change: copy number 1 (one copy instead of two) of chr21:42,335,622-48,097,372 (5.76 Mb, GRCh37 coordinates, 1-based), cytogenetic band 21q22.2-22.3.
Identifiers: ClinVar variation 564676 (VCV000564676.1).

ClinVar aggregate classification (germline): Pathogenic (1 of 4 stars; one submission).

Submission:

Quest Diagnostics Nichols Institute San Juan Capistrano
Classification: Pathogenic. Last evaluated: 2023-11-22. Review status: criteria provided, single submitter. Criteria: ACMG/ClinGen CNV Guidelines, 2019. Collection method: clinical testing. Allele origin: unknown.
Comment: This loss contains numerous protein-coding genes. Heterozygous deletions of 21q22.3 similar to or smaller than the current deletion interval have been reported in individuals with variable and inconsistent phenotypes (Egger 2014, Guion-Almeida 2012, Lin 2021, Poelmans 2009, Roberson 2011). In addition, there are multiple genes in this copy number loss that are associated with autosomal dominant disorders. There are no similar copy number losses of this region in the general populations of the Database of Genomic Variants. Based on current medical literature and gene count, this copy number variant (CNV) is classified as pathogenic. References: Egger et al., Neurogenetics. 2014 May;15(2):117-27. PMID: 24643514; Guion-Almeida et al., Am J Med Genet A. 2012 Jul;158A(7):1676-9. PMID: 22628242; Lin et al., Transl Pediatr. 2021 Oct;10(10):2621-2629. PMID: 34765486; Poelmans et al., Am J Med Genet B Neuropsychiatr Genet. 2009 Jan 5;150B(1):140-7. PMID: 18521840; Roberson et al., Eur J Hum Genet. 2011 Feb;19(2):235-8. PMID: 20823914